The following is an entry in ClinVar:

NM_000719.7(CACNA1C):c.2636C>T (p.Ala879Val)

Gene: CACNA1C (calcium voltage-gated channel subunit alpha1 C; plus strand). Cytogenetic location: 12p13.33.
Variant type: single nucleotide variant.
Coding change: c.2636C>T on transcript NM_000719.7 (MANE Select); coding-DNA position 2636, C replaced by T.
Protein change: p.Ala879Val; replaces alanine 879 with valine.
Molecular consequence: missense variant.
Genome position (GRCh38, 1-based): chr12:2,593,318, C>T. VCF-style: chr12-2593318-C-T. GRCh37 (hg19) VCF-style: chr12-2702484-C-T.
Other names: c.2636C>T, p.Ala879Val (NM_001129827.2, NM_001129829.2, NM_001129830.3 and 18 more transcripts); c.2627C>T, p.Ala876Val (NM_001129844.2); short protein forms A876V, A879V.
Identifiers: ClinVar variation 1201015 (VCV001201015.7), dbSNP rs1199713333, ClinGen allele CA383372287.

ClinVar aggregate classification (germline): Uncertain significance. Review status: criteria provided, multiple submitters, no conflicts (2 of 4 stars). 2 submissions from 2 submitters: Uncertain significance (2). Last evaluated 2025-09-10.

Conditions:
Timothy syndrome (TS). Also called: LONG QT SYNDROME WITH SYNDACTYLY. Identifiers: Orphanet 65283, MedGen C1832916, MeSH C536962, MONDO:0010979, OMIM 601005.
Long QT syndrome 8. Identifiers: MedGen CN260585, MONDO:0032756, OMIM 618447.
Brugada syndrome 3 (BRGDA3). Identifiers: Orphanet 130, MedGen C2678478, MONDO:0012742, OMIM 611875.

Allele frequency attached by ClinVar (database versions not stated): gnomAD exomes below 0.00001.
gnomAD v4.1: 2 of 1,613,810 alleles (0.00012%); highest among the groups gnomAD compares: Non-Finnish European, 0.000085%; no homozygotes.

Submissions (2):

GeneDx
Classification: Uncertain significance. Last evaluated: 2025-09-10. Review status: criteria provided, single submitter. Criteria: GeneDx Variant Classification Process June 2021. Collection method: clinical testing. Allele origin: germline. Affected: yes.
Comment: Not observed at significant frequency in large population cohorts (gnomAD); In silico analysis supports that this missense variant has a deleterious effect on protein structure/function; Has not been previously published as pathogenic or benign to our knowledge

Fulgent Genetics
Classification: Uncertain significance for Timothy syndrome; Brugada syndrome 3; Long QT syndrome 8. Last evaluated: 2021-11-14. Review status: criteria provided, single submitter. Criteria: ACMG Guidelines, 2015. Collection method: clinical testing. Allele origin: unknown.